The following is an entry in ClinVar:

ClinVar aggregate classification (germline): Uncertain significance. Review status: criteria provided, multiple submitters, no conflicts (2 of 4 stars). 2 submissions from 2 submitters: Uncertain significance (2). Last evaluated 2025-04-20.

Conditions:
Inborn genetic diseases. Identifiers: MedGen C0950123, MeSH D030342.

Allele frequency attached by ClinVar (database versions not stated): ExAC 0.00001; gnomAD exomes 0.00001.
gnomAD v4.1: 7 of 1,613,516 alleles (0.00043%); highest among the groups gnomAD compares: South Asian, 0.0033%; no homozygotes.

Submissions (2):

Ambry Genetics
Classification: Uncertain significance for Inborn genetic diseases. Last evaluated: 2025-04-20. Review status: criteria provided, single submitter. Criteria: Ambry Variant Classification Scheme 2023. Collection method: clinical testing. Allele origin: germline.

Labcorp Genetics (formerly Invitae), Labcorp
Classification: Uncertain significance. Last evaluated: 2023-09-11. Review status: criteria provided, single submitter. Criteria: Invitae Variant Classification Sherloc (09022015). Collection method: clinical testing. Allele origin: germline.
Comment: This sequence change replaces arginine, which is basic and polar, with tryptophan, which is neutral and slightly polar, at codon 1808 of the ITPR1 protein (p.Arg1808Trp). This variant is present in population databases (rs763282740, gnomAD 0.003%). This variant has not been reported in the literature in individuals affected with ITPR1-related conditions. Advanced modeling of protein sequence and biophysical properties (such as structural, functional, and spatial information, amino acid conservation, physicochemical variation, residue mobility, and thermodynamic stability) has been performed at Invitae for this missense variant, however the output from this modeling did not meet the statistical confidence thresholds required to predict the impact of this variant on ITPR1 protein function. In summary, the available evidence is currently insufficient to determine the role of this variant in disease. Therefore, it has been classified as a Variant of Uncertain Significance.

NM_001378452.1(ITPR1):c.5611C>T (p.Arg1871Trp)

Gene: ITPR1 (inositol 1,4,5-trisphosphate receptor type 1; plus strand). Cytogenetic location: 3p26.1.
Variant type: single nucleotide variant.
Coding change: c.5611C>T on transcript NM_001378452.1 (MANE Select); coding-DNA position 5611, C replaced by T.
Protein change: p.Arg1871Trp; replaces arginine 1871 with tryptophan.
Molecular consequence: missense variant.
Genome position (GRCh38, 1-based): chr3:4,766,596, C>T. VCF-style: chr3-4766596-C-T. GRCh37 (hg19) VCF-style: chr3-4808280-C-T.
Other names: c.5467C>T, p.Arg1823Trp (NM_001099952.4); c.5566C>T, p.Arg1856Trp (NM_001168272.2); c.5422C>T, p.Arg1808Trp (NM_002222.7); c.5422C>T (NM_002222.5); short protein forms R1856W, R1871W, R1823W, R1808W.
Identifiers: ClinVar variation 2975103 (VCV002975103.4), dbSNP rs763282740, ClinGen allele CA2232374.